The following is an entry in ClinVar:

ClinVar aggregate classification (germline): Conflicting classifications of pathogenicity. Review status: criteria provided, conflicting classifications (1 of 4 stars). 9 submissions from 9 submitters: Uncertain significance (1); Benign (2); Likely benign (4). 2 of the submissions do not count toward it. Last evaluated 2026-01-28.

Conditions:
LOXHD1-related disorder. Also called: LOXHD1-related condition.
VATER association. Also called: Vacterl association; VACTERL/vater association. Identifiers: Orphanet 887, MedGen C4225671, MONDO:0008642, OMIM 192350.
Autosomal recessive nonsyndromic hearing loss 77. Identifiers: Orphanet 90636, MedGen C2746083, MONDO:0013119, OMIM 613079.

Allele frequency attached by ClinVar (database versions not stated): ESP Exome Variant Server 0.00088; 1000 Genomes Project 0.00140; ExAC 0.00144; gnomAD 0.00145 and 0.00149; TOPMed 0.00145; gnomAD exomes 0.00153; 1000 Genomes Project 30x 0.00172.
gnomAD v4.1: 1,528 of 1,551,604 alleles (0.098%); highest among the groups gnomAD compares: Middle Eastern, 1.3%; 6 homozygotes.

Submissions (9):

Labcorp Genetics (formerly Invitae), Labcorp
Classification: Benign. Last evaluated: 2026-01-28. Review status: criteria provided, single submitter. Criteria: Invitae Variant Classification Sherloc (09022015). Collection method: clinical testing. Allele origin: germline.

Blueprint Genetics
Classification: Likely benign. Last evaluated: 2024-11-21. Review status: criteria provided, single submitter. Criteria: ACMG Guidelines, 2015. Collection method: clinical testing. Allele origin: germline.

CeGaT Center for Human Genetics Tuebingen
Classification: Likely benign. Last evaluated: 2023-09-01. Review status: criteria provided, single submitter. Criteria: CeGaT Center For Human Genetics Tuebingen Variant Classification Criteria Version 2. Collection method: clinical testing. Allele origin: germline. Affected: yes. Observed: 2 variant alleles.
Comment: LOXHD1: BP4, BS2

Cambridge Genomics Laboratory, East Genomic Laboratory Hub, NHS Genomic Medicine Service
Classification: Benign for VATER association. Last evaluated: 2019-04-17. Review status: criteria provided, single submitter. Criteria: ACGS Best Practice Guidelines for Variant Classification in Rare Disease 2020. Collection method: clinical testing. Allele origin: germline. Affected: yes. Observed: 1 variant allele.

GeneDx
Classification: Likely benign. Last evaluated: 2018-05-21. Review status: criteria provided, single submitter. Criteria: GeneDx Variant Classification (06012015). Collection method: clinical testing. Allele origin: germline. Affected: yes.
Comment: This variant is considered likely benign or benign based on one or more of the following criteria: it is a conservative change, it occurs at a poorly conserved position in the protein, it is predicted to be benign by multiple in silico algorithms, and/or has population frequency not consistent with disease.

Illumina Laboratory Services, Illumina
Classification: Uncertain significance for Autosomal recessive nonsyndromic hearing loss 77. Last evaluated: 2018-01-13. Review status: criteria provided, single submitter. Criteria: ICSL Variant Classification Criteria 13 December 2019. Collection method: clinical testing. Allele origin: germline.

Laboratory for Molecular Medicine, Mass General Brigham Personalized Medicine
Classification: Likely benign. Last evaluated: 2017-08-03. Review status: criteria provided, single submitter. Criteria: LMM Criteria. Collection method: clinical testing. Allele origin: germline. Observed: 5 variant alleles.
Comment: p.Arg1675Cys in exon 32 of LOXHD1: This variant is not expected to have clinical significance due to a lack of conservation across species including mammals. Of note, more than 40 mammalian species have a cysteine (Cys) at this position des pite high nearby amino acid conservation. In addition, computational analyses do not suggest a high likelihood of impact to the protein. This variant has been i dentified in 0.13% (252/182290) of all chromosomes including 2 homozygotes with the highest frequencies in 0.44% (109/24794) of Latino chromosomes and 0.42% (36 /8536) of Ashkenazi Jewish chromosomes by the Genome Aggregation Database (gnomA D; dbSNP rs201060702).

PreventionGenetics, part of Exact Sciences
Classification: Likely benign for LOXHD1-related condition. Last evaluated: 2020-05-14. Review status: no assertion criteria provided. Collection method: clinical testing. Allele origin: germline. Not counted in ClinVar's aggregate classification.
Comment: This variant is classified as likely benign based on ACMG/AMP sequence variant interpretation guidelines (Richards et al. 2015 PMID: 25741868, with internal and published modifications).

Natera, Inc.
Classification: Likely benign for Autosomal recessive deafness type 77. Last evaluated: 2019-12-10. Review status: no assertion criteria provided. Collection method: clinical testing. Allele origin: germline. Not counted in ClinVar's aggregate classification.

NM_001384474.1(LOXHD1):c.5023C>T (p.Arg1675Cys)

Gene: LOXHD1 (lipoxygenase homology PLAT domains 1; minus strand). Cytogenetic location: 18q21.1.
Variant type: single nucleotide variant.
Coding change: c.5023C>T on transcript NM_001384474.1 (MANE Select); coding-DNA position 5023, C replaced by T.
Protein change: p.Arg1675Cys; replaces arginine 1675 with cysteine.
Molecular consequence: missense variant.
Genome position (GRCh38, 1-based): chr18:46,522,163, G>A on the plus strand (C>T on the coding strand, the complement: LOXHD1 is on the minus strand). VCF-style: chr18-46522163-G-A. GRCh37 (hg19) VCF-style: chr18-44102126-G-A.
Other names: c.1690C>T, p.Arg564Cys (NM_001145472.3); c.1402C>T, p.Arg468Cys (NM_001308013.2); c.5023C>T, p.Arg1675Cys (NM_144612.7); short protein forms R1675C, R564C, R468C.
Identifiers: ClinVar variation 178395 (VCV000178395.52), dbSNP rs201060702, ClinGen allele CA182246.